The following is an entry in ClinVar:

NM_000179.3(MSH6):c.440_444delinsC (p.Leu147fs)

Gene: MSH6 (mutS homolog 6; plus strand). Cytogenetic location: 2p16.3.
Variant type: Indel.
Coding change: c.440_444delinsC on transcript NM_000179.3 (MANE Select); coding-DNA positions 440 to 444, TTTTA replaced by C.
Protein change: p.Leu147fs; shifts the reading frame from leucine 147.
Molecular consequence: frameshift variant. On other transcripts: 5 prime UTR variant (2), intron variant (1).
Genome position (GRCh38, 1-based): chr2:47,791,106-47,791,110, TTTTA replaced by C. VCF-style: chr2-47791106-TTTTA-C. GRCh37 (hg19) VCF-style: chr2-48018245-TTTTA-C.
Other names: c.-297_-293delinsC (NM_001281493.2); c.-463_-459delinsC (NM_001281494.2); c.536_540delTTTTAinsC, p.Leu179Profs (NM_001406795.1, NM_001406802.1); c.440_444delTTTTAinsC, p.Leu147Profs (NM_001406796.1, NM_001406798.1, NM_001406800.1 and 6 more transcripts); c.143_147delTTTTAinsC, p.Leu48Profs (NM_001406797.1, NM_001406801.1, NM_001406805.1 and 10 more transcripts); c.362_366delTTTTAinsC, p.Leu121Profs (NM_001406804.1); c.-489_-485delTTTTAinsC (NM_001406807.1); c.-297_-293delTTTTAinsC (NM_001406811.1, NM_001406823.1, NM_001406829.1); and 3 more; short protein forms L147fs.
Identifiers: ClinVar variation 1740331 (VCV001740331.2), dbSNP rs2530440150, ClinGen allele CA2580066901.

ClinVar aggregate classification (germline): Pathogenic (1 of 4 stars; one submission).

Conditions:
Hereditary cancer-predisposing syndrome. Also called: Hereditary Cancer Syndrome; Hereditary neoplastic syndrome; Neoplastic Syndromes, Hereditary; Tumor predisposition. Identifiers: Orphanet 140162, MedGen C0027672, MeSH D009386, MONDO:0015356.

Submission:

Ambry Genetics
Classification: Pathogenic for Hereditary cancer-predisposing syndrome. Last evaluated: 2022-07-25. Review status: criteria provided, single submitter. Criteria: Ambry Variant Classification Scheme 2023. Collection method: clinical testing. Allele origin: germline.
Comment: The c.440_444delTTTTAinsC pathogenic mutation, located in coding exon 2 of the MSH6 gene, results from the deletion of 5 nucleotides and insertion of one nucleotide causing a translational frameshift with a predicted alternate stop codon (p.L147Pfs*26). This alteration is expected to result in loss of function by premature protein truncation or nonsense-mediated mRNA decay. As such, this alteration is interpreted as a disease-causing mutation.